The following is an entry in ClinVar:

NM_014727.3(KMT2B):c.6889_6890delinsAA (p.Ala2297Asn)

Gene: KMT2B (lysine methyltransferase 2B; plus strand). Cytogenetic location: 19q13.12.
Variant type: Indel.
Coding change: c.6889_6890delinsAA on transcript NM_014727.3 (MANE Select); coding-DNA positions 6889 to 6890, GC replaced by AA.
Protein change: p.Ala2297Asn; replaces alanine 2297 with asparagine.
Molecular consequence: missense variant.
Genome position (GRCh38, 1-based): chr19:35,733,438-35,733,439, GC replaced by AA. VCF-style: chr19-35733438-GC-AA. GRCh37 (hg19) VCF-style: chr19-36224339-GC-AA.
Other names: short protein forms A2297N.
Identifiers: ClinVar variation 2955965 (VCV002955965.3), dbSNP rs2513356328, ClinGen allele CA2740096869.

ClinVar aggregate classification (germline): Uncertain significance (1 of 4 stars; one submission).

Submission:

Labcorp Genetics (formerly Invitae), Labcorp
Classification: Uncertain significance. Last evaluated: 2023-11-13. Review status: criteria provided, single submitter. Criteria: Invitae Variant Classification Sherloc (09022015). Collection method: clinical testing. Allele origin: germline.
Comment: This sequence change replaces alanine, which is neutral and non-polar, with asparagine, which is neutral and polar, at codon 2297 of the KMT2B protein (p.Ala2297Asn). The frequency data for this variant in the population databases is considered unreliable, as metrics indicate poor data quality at this position in the gnomAD database. This variant has not been reported in the literature in individuals affected with KMT2B-related conditions. Experimental studies and prediction algorithms are not available or were not evaluated, and the functional significance of this variant is currently unknown. In summary, the available evidence is currently insufficient to determine the role of this variant in disease. Therefore, it has been classified as a Variant of Uncertain Significance.